The following is an entry in ClinVar:

ClinVar aggregate classification (germline): Likely benign. Review status: criteria provided, multiple submitters, no conflicts (2 of 4 stars). 2 submissions from 2 submitters: Likely benign (2). Last evaluated 2025-12-08.

Allele frequency attached by ClinVar (database versions not stated): gnomAD 0.00010; TOPMed 0.00010; ESP Exome Variant Server 0.00015.
gnomAD v4.1: 327 of 1,613,810 alleles (0.02%); highest among the groups gnomAD compares: Non-Finnish European, 0.025%; no homozygotes.

Submissions (3):

Labcorp Genetics (formerly Invitae), Labcorp
Classification: Likely benign. Last evaluated: 2025-12-08. Review status: criteria provided, single submitter. Criteria: Invitae Variant Classification Sherloc (09022015). Collection method: clinical testing. Allele origin: germline.

Mayo Clinic Laboratories, Mayo Clinic
Classification: Likely benign. Last evaluated: 2025-01-09. Review status: criteria provided, single submitter. Criteria: ACMG Guidelines, 2015. Collection method: clinical testing. Allele origin: germline. Observed: 2 variant alleles.
Comment: BP4, BP7

Dr. Peter K. Rogan Lab, Western University
No classification provided (evidence only). Condition: Lung cancer. Review status: no classification provided. Collection method: in vitro. Allele origin: not applicable. Functional consequence: retained intron. Not counted in ClinVar's aggregate classification.

NM_138477.4(CDAN1):c.3300G>A (p.Pro1100=)

Gene: CDAN1 (codanin 1; minus strand). Cytogenetic location: 15q15.2.
Variant type: single nucleotide variant.
Coding change: c.3300G>A on transcript NM_138477.4 (MANE Select); coding-DNA position 3300, G replaced by A.
Protein change: p.Pro1100=; no amino-acid change (proline 1100 retained).
Molecular consequence: synonymous variant.
Genome position (GRCh38, 1-based): chr15:42,725,639, C>T on the plus strand (G>A on the coding strand, the complement: CDAN1 is on the minus strand). VCF-style: chr15-42725639-C-T. GRCh37 (hg19) VCF-style: chr15-43017837-C-T.
Other names: p.Pro1100=.
Identifiers: ClinVar variation 761361 (VCV000761361.8), dbSNP rs377026916, ClinGen allele CA7515181.